The following is an entry in ClinVar:

NM_005359.6(SMAD4):c.155A>T (p.Asp52Val)

Gene: SMAD4 (SMAD family member 4; plus strand). Cytogenetic location: 18q21.2.
Variant type: single nucleotide variant.
Coding change: c.155A>T on transcript NM_005359.6 (MANE Select); coding-DNA position 155, A replaced by T.
Protein change: p.Asp52Val; replaces aspartic acid 52 with valine.
Molecular consequence: missense variant.
Genome position (GRCh38, 1-based): chr18:51,047,201, A>T. VCF-style: chr18-51047201-A-T. GRCh37 (hg19) VCF-style: chr18-48573571-A-T.
Other names: short protein forms D52V.
Identifiers: ClinVar variation 393140 (VCV000393140.27), dbSNP rs1057524809, ClinGen allele CA16607944.

ClinVar aggregate classification (germline): Conflicting classifications of pathogenicity. Review status: criteria provided, conflicting classifications (1 of 4 stars). 7 submissions from 7 submitters: Uncertain significance (6); Likely benign (1). Last evaluated 2026-06-24.

Conditions:
Juvenile polyposis/hereditary hemorrhagic telangiectasia syndrome (JPHT). Also called: JP/HHT SYNDROME; JUVENILE POLYPOSIS WITH HEREDITARY HEMORRHAGIC TELANGIECTASIA; POLYPOSIS, GENERALIZED JUVENILE, WITH PULMONARY ARTERIOVENOUS MALFORMATION; TELANGIECTASIA, HEREDITARY HEMORRHAGIC, WITH JUVENILE POLYPOSIS COLI; Juvenile Polyposis Syndrome / Hereditary Hemorrhagic Telangiectasia (JPS/HHT). Identifiers: Orphanet 2929, MedGen C1832942, MONDO:0008278, OMIM 175050.
Myhre syndrome (MYHRS). Also called: LARYNGOTRACHEAL STENOSIS, ARTHROPATHY, PROGNATHISM, AND SHORT STATURE; LAPS SYNDROME. Identifiers: Orphanet 2588, MedGen C0796081, MONDO:0007688, OMIM 139210.
Carcinoma of pancreas. Also called: PANCREATIC ACINAR CARCINOMA; PANCREATIC CARCINOMA; Pancreatic cancer, somatic; Pancreatic carcinoma, somatic; Exocrine pancreatic carcinoma. Identifiers: Orphanet 1333, Orphanet 217074, MedGen C0235974, MONDO:0005192. Disease mechanism: loss of function.
Juvenile polyposis syndrome (JPS). Identifiers: Orphanet 2929, MedGen C0345893, MONDO:0017380, OMIM 174900.
SMAD4-related disorder. Also called: SMAD4-related condition; SMAD4-Related disorders.
Familial thoracic aortic aneurysm and aortic dissection (TAAD). Also called: Thoracic aortic aneurysms and dissections. Identifiers: Orphanet 91387, MedGen C4707243, MONDO:0019625.
Hereditary cancer-predisposing syndrome. Also called: Neoplastic Syndromes, Hereditary; Tumor predisposition; Hereditary Cancer Syndrome; Hereditary neoplastic syndrome. Identifiers: Orphanet 140162, MedGen C0027672, MeSH D009386, MONDO:0015356.

Allele frequency attached by ClinVar (database versions not stated): gnomAD exomes 0.00001.
gnomAD v4.1: 10 of 1,614,048 alleles (0.00062%); highest among the groups gnomAD compares: Non-Finnish European, 0.00085%; no homozygotes.

Submissions (7):

PreventionGenetics, part of Exact Sciences
Classification: Uncertain significance for SMAD4-related condition. Last evaluated: 2026-06-24. Review status: criteria provided, single submitter. Criteria: ACMG Guidelines, 2015. Collection method: clinical testing. Allele origin: germline.
Comment: The SMAD4 c.155A>T variant is predicted to result in the amino acid substitution p.Asp52Val. To our knowledge, this variant has not been reported in the literature or in a large population database (gnomAD), indicating this variant is rare. This variant has conflicting interpretations in ClinVar ranging from uncertain to likely benign (Variation ID: 393140). At this time, the clinical significance of this variant is uncertain due to the absence of conclusive functional and genetic evidence.

Labcorp Genetics (formerly Invitae), Labcorp
Classification: Uncertain significance for Juvenile polyposis syndrome. Last evaluated: 2025-12-12. Review status: criteria provided, single submitter. Criteria: Invitae Variant Classification Sherloc (09022015). Collection method: clinical testing. Allele origin: germline.
Comment: This sequence change replaces aspartic acid, which is acidic and polar, with valine, which is neutral and non-polar, at codon 52 of the SMAD4 protein (p.Asp52Val). This variant is not present in population databases (gnomAD no frequency). This variant has not been reported in the literature in individuals affected with SMAD4-related conditions. ClinVar contains an entry for this variant (Variation ID: 393140). Invitae Evidence Modeling of protein sequence and biophysical properties (such as structural, functional, and spatial information, amino acid conservation, physicochemical variation, residue mobility, and thermodynamic stability) has been performed for this missense variant. However, the output from this modeling did not meet the statistical confidence thresholds required to predict the impact of this variant on SMAD4 protein function. In summary, the available evidence is currently insufficient to determine the role of this variant in disease. Therefore, it has been classified as a Variant of Uncertain Significance.

Ambry Genetics
Classification: Likely benign for Hereditary cancer-predisposing syndrome; Familial thoracic aortic aneurysm and aortic dissection. Last evaluated: 2025-04-02. Review status: criteria provided, single submitter. Criteria: Ambry Variant Classification Scheme 2023. Collection method: clinical testing. Allele origin: germline.

GeneDx
Classification: Uncertain significance. Last evaluated: 2023-12-10. Review status: criteria provided, single submitter. Criteria: GeneDx Variant Classification Process June 2021. Collection method: clinical testing. Allele origin: germline. Affected: yes.
Comment: Not observed at significant frequency in large population cohorts (gnomAD); In silico analysis supports that this missense variant has a deleterious effect on protein structure/function; Has not been previously published as pathogenic or benign to our knowledge; This variant is associated with the following publications: (PMID: 15235019, 18823382, 22992590)

Color Diagnostics, LLC DBA Color Health
Classification: Uncertain significance for Hereditary cancer-predisposing syndrome. Last evaluated: 2023-12-05. Review status: criteria provided, single submitter. Criteria: ACMG Guidelines, 2015. Collection method: clinical testing. Allele origin: germline.
Comment: This missense variant replaces aspartic acid with valine at codon 52 of the SMAD4 protein. Computational prediction suggests that this variant may have deleterious impact on protein structure and function (internally defined REVEL score threshold >= 0.7, PMID: 27666373). To our knowledge, functional studies have not been reported for this variant. This variant has not been reported in individuals affected with SMAD4-related disorders in the literature. This variant has not been identified in the general population by the Genome Aggregation Database (gnomAD). The available evidence is insufficient to determine the role of this variant in disease conclusively. Therefore, this variant is classified as a Variant of Uncertain Significance.

All of Us Research Program, National Institutes of Health
Classification: Uncertain significance for Juvenile polyposis/hereditary hemorrhagic telangiectasia syndrome. Last evaluated: 2023-03-28. Review status: criteria provided, single submitter. Criteria: ACMG Guidelines, 2015. Collection method: clinical testing. Allele origin: germline. Inheritance: Autosomal dominant inheritance. Observed: 1 variant allele, 1 heterozygote.
Comment: This study involves interpretation of variants in research participants for the purpose of population health screening. Participant phenotype was not available at the time of variant classification. Additional details can be found in publication PMID: 35346344, PMCID: PMC8962531

Fulgent Genetics
Classification: Uncertain significance for Myhre syndrome; Juvenile polyposis syndrome; Juvenile polyposis/hereditary hemorrhagic telangiectasia syndrome; Familial pancreatic carcinoma. Last evaluated: 2021-07-13. Review status: criteria provided, single submitter. Criteria: ACMG Guidelines, 2015. Collection method: clinical testing. Allele origin: unknown.